The following is an entry in ClinVar:

ClinVar aggregate classification (germline): Uncertain significance. Review status: criteria provided, multiple submitters, no conflicts (2 of 4 stars). 2 submissions from 2 submitters: Uncertain significance (2). Last evaluated 2023-09-21.

Conditions:
Hereditary cancer-predisposing syndrome. Also called: Hereditary Cancer Syndrome; Tumor predisposition; Hereditary neoplastic syndrome; Neoplastic Syndromes, Hereditary. Identifiers: Orphanet 140162, MedGen C0027672, MeSH D009386, MONDO:0015356.
Familial adenomatous polyposis 1 (FAP1). Also called: FAMILIAL ADENOMATOUS POLYPOSIS 1, ATTENUATED; POLYPOSIS, ADENOMATOUS INTESTINAL. Identifiers: MedGen C2713442, MONDO:0021056, OMIM 175100. Disease mechanism: loss of function.

Submissions (2):

Labcorp Genetics (formerly Invitae), Labcorp
Classification: Uncertain significance for Familial adenomatous polyposis 1. Last evaluated: 2023-09-21. Review status: criteria provided, single submitter. Criteria: Invitae Variant Classification Sherloc (09022015). Collection method: clinical testing. Allele origin: germline.
Comment: This sequence change replaces aspartic acid, which is acidic and polar, with histidine, which is basic and polar, at codon 2696 of the APC protein (p.Asp2696His). This variant is not present in population databases (gnomAD no frequency). In summary, the available evidence is currently insufficient to determine the role of this variant in disease. Therefore, it has been classified as a Variant of Uncertain Significance. Advanced modeling of protein sequence and biophysical properties (such as structural, functional, and spatial information, amino acid conservation, physicochemical variation, residue mobility, and thermodynamic stability) performed at Invitae indicates that this missense variant is not expected to disrupt APC protein function. ClinVar contains an entry for this variant (Variation ID: 1040427). This variant has not been reported in the literature in individuals affected with APC-related conditions.

Ambry Genetics
Classification: Uncertain significance for Hereditary cancer-predisposing syndrome. Last evaluated: 2022-06-20. Review status: criteria provided, single submitter. Criteria: Ambry Variant Classification Scheme 2023. Collection method: clinical testing. Allele origin: germline.
Comment: The p.D2696H variant (also known as c.8086G>C), located in coding exon 15 of the APC gene, results from a G to C substitution at nucleotide position 8086. The aspartic acid at codon 2696 is replaced by histidine, an amino acid with similar properties. This amino acid position is conserved. In addition, in silico predictors for this gene do not accurately predict pathogenicity. Since supporting evidence is limited at this time, the clinical significance of this alteration remains unclear.

NM_000038.6(APC):c.8086G>C (p.Asp2696His)

Gene: APC (APC regulator of Wnt signaling pathway; plus strand). Cytogenetic location: 5q22.2.
Variant type: single nucleotide variant.
Coding change: c.8086G>C on transcript NM_000038.6 (MANE Select); coding-DNA position 8086, G replaced by C.
Protein change: p.Asp2696His; replaces aspartic acid 2696 with histidine.
Molecular consequence: missense variant.
Genome position (GRCh38, 1-based): chr5:112,843,680, G>C. VCF-style: chr5-112843680-G-C. GRCh37 (hg19) VCF-style: chr5-112179377-G-C.
Other names: c.8086G>C, p.Asp2696His (NM_001127510.3, NM_001354895.2); c.8032G>C, p.Asp2678His (NM_001127511.3); c.8140G>C, p.Asp2714His (NM_001354896.2); c.8116G>C, p.Asp2706His (NM_001354897.2); c.8011G>C, p.Asp2671His (NM_001354898.2); c.8002G>C, p.Asp2668His (NM_001354899.2); c.7963G>C, p.Asp2655His (NM_001354900.2); c.7909G>C, p.Asp2637His (NM_001354901.2); and 5 more; short protein forms D2595H, D2655H, D2696H, D2570H, D2706H, D2714H, D2413H, D2605H.
Identifiers: ClinVar variation 1040427 (VCV001040427.12), dbSNP rs368724873, ClinGen allele CA16038890.